The following is an entry in ClinVar:

NM_001039615.3(ZNF705D):c.617G>A (p.Gly206Glu)

Gene: ZNF705D (zinc finger protein 705D). Cytogenetic location: 8p23.1.
Variant type: single nucleotide variant.
Coding change: c.617G>A on transcript NM_001039615.3 (MANE Select); coding-DNA position 617, G replaced by A.
Protein change: p.Gly206Glu; replaces glycine 206 with glutamic acid.
Molecular consequence: missense variant.
Genome position (GRCh38, 1-based): chr8:12,112,872, G>A. VCF-style: chr8-12112872-G-A. GRCh37 (hg19) VCF-style: chr8-11970381-G-A.
Other names: short protein forms G206E.
Identifiers: ClinVar variation 4611657 (VCV004611657.1).

ClinVar aggregate classification (germline): Uncertain significance (1 of 4 stars; one submission).

Submission:

Ambry Genetics
Classification: Uncertain significance. Last evaluated: 2025-11-26. Review status: criteria provided, single submitter. Criteria: Ambry Variant Classification Scheme 2023. Collection method: clinical testing. Allele origin: germline.
Comment: The c.617G>A (p.G206E) alteration is located in exon 7 (coding exon 5) of the ZNF705D gene. This alteration results from a G to A substitution at nucleotide position 617, causing the glycine (G) at amino acid position 206 to be replaced by a glutamic acid (E). Based on data from gnomAD, the A allele has an overall frequency of <0.001% (0/6574) total alleles studied. The highest observed frequency was <0.001% (/) of alleles. Based on insufficient or conflicting evidence, the clinical significance of this alteration remains unclear.